The following is an entry in ClinVar:

NM_032043.3(BRIP1):c.2098-22T>C

Gene: BRIP1 (BRCA1 interacting DNA helicase 1; minus strand). Cytogenetic location: 17q23.2.
Variant type: single nucleotide variant.
Coding change: c.2098-22T>C on transcript NM_032043.3 (MANE Select); 22 bases into the intron before coding-DNA position 2098, T replaced by C.
Molecular consequence: intron variant.
Genome position (GRCh38, 1-based): chr17:61,744,613, A>G on the plus strand (T>C on the coding strand, the complement: BRIP1 is on the minus strand). VCF-style: chr17-61744613-A-G. GRCh37 (hg19) VCF-style: chr17-59821974-A-G.
Identifiers: ClinVar variation 523693 (VCV000523693.5), dbSNP rs114505031, ClinGen allele CA8690591.

ClinVar aggregate classification (germline): Benign/Likely benign. Review status: criteria provided, multiple submitters, no conflicts (2 of 4 stars). 4 submissions from 4 submitters: Benign (2); Likely benign (2). Last evaluated 2025-12-29.

Conditions:
Hereditary breast ovarian cancer syndrome. Also called: BRCA1- and BRCA2-Associated Hereditary Breast and Ovarian Cancer; Breast and ovarian cancer; Hereditary breast and/or ovarian cancer syndrome; Hereditary breast and ovarian cancer syndrome; Hereditary breast and ovarian cancer; Hereditary breast and ovarian cancer syndrome (HBOC). Identifiers: Orphanet 145, MedGen C0677776, MeSH D061325, MONDO:0003582. Disease mechanism: loss of function.
Hereditary cancer-predisposing syndrome. Also called: Neoplastic Syndromes, Hereditary; Hereditary neoplastic syndrome; Tumor predisposition; Hereditary Cancer Syndrome. Identifiers: Orphanet 140162, MedGen C0027672, MeSH D009386, MONDO:0015356.

Allele frequency attached by ClinVar (database versions not stated): gnomAD exomes 0.00057 and 0.00163; ExAC 0.00178; ESP Exome Variant Server 0.00569; gnomAD 0.00640 and 0.00684; TOPMed 0.00692; 1000 Genomes Project 0.00819; 1000 Genomes Project 30x 0.00890.
gnomAD v4.1: 1,843 of 1,607,874 alleles (0.11%); highest among the groups gnomAD compares: African/African-American, 2.2%; 18 homozygotes.

Submissions (4):

Center for Genomic Medicine, Rigshospitalet, Copenhagen University Hospital
Classification: Benign. Last evaluated: 2025-12-29. Review status: criteria provided, single submitter. Criteria: ACMG Guidelines, 2015. Collection method: clinical testing. Allele origin: germline.
Comment: Classification criteria: BA1

National Health Laboratory Service, Universitas Academic Hospital and University of the Free State
Classification: Likely benign for Hereditary breast ovarian cancer syndrome. Last evaluated: 2022-04-19. Review status: criteria provided, single submitter. Criteria: ACMG Guidelines, 2015. Collection method: clinical testing. Allele origin: germline. Affected: yes. Observed: 7 variant alleles.

Institute for Biomarker Research, Medical Diagnostic Laboratories, L.L.C.
Classification: Likely benign for Hereditary cancer-predisposing syndrome. Last evaluated: 2018-01-16. Review status: criteria provided, single submitter. Criteria: ACMG Guidelines, 2015. Collection method: clinical testing. Allele origin: germline.

GeneDx
Classification: Benign. Last evaluated: 2015-03-03. Review status: criteria provided, single submitter. Criteria: GeneDx Variant Classification Process June 2021. Collection method: clinical testing. Allele origin: germline. Affected: yes.